The following is an entry in ClinVar:

NM_000903.3(NQO1):c.574A>T (p.Ser192Cys)

Gene: NQO1 (NAD(P)H quinone dehydrogenase 1; minus strand). Cytogenetic location: 16q22.1.
Variant type: single nucleotide variant.
Coding change: c.574A>T on transcript NM_000903.3 (MANE Select); coding-DNA position 574, A replaced by T.
Protein change: p.Ser192Cys; replaces serine 192 with cysteine.
Molecular consequence: missense variant.
Genome position (GRCh38, 1-based): chr16:69,711,227, T>A on the plus strand (A>T on the coding strand, the complement: NQO1 is on the minus strand). VCF-style: chr16-69711227-T-A. GRCh37 (hg19) VCF-style: chr16-69745130-T-A.
Other names: c.472A>T, p.Ser158Cys (NM_001025433.2); c.460A>T, p.Ser154Cys (NM_001025434.2); c.358A>T, p.Ser120Cys (NM_001286137.2); short protein forms S120C, S192C, S154C, S158C.
Identifiers: ClinVar variation 1749424 (VCV001749424.2), dbSNP rs2151741844, ClinGen allele CA396487848.

ClinVar aggregate classification (germline): Uncertain significance (1 of 4 stars; one submission).

Submission:

Ambry Genetics
Classification: Uncertain significance. Last evaluated: 2022-01-08. Review status: criteria provided, single submitter. Criteria: Ambry Variant Classification Scheme 2023. Collection method: clinical testing. Allele origin: germline.
Comment: The p.S192C variant (also known as c.574A>T), located in coding exon 6 of the NQO1 gene, results from an A to T substitution at nucleotide position 574. The serine at codon 192 is replaced by cysteine, an amino acid with dissimilar properties. This amino acid position is conserved. In addition, this alteration is predicted to be tolerated by in silico analysis. Since supporting evidence is limited at this time, the clinical significance of this alteration remains unclear.